The following is an entry in ClinVar:

NM_000219.6(KCNE1):c.344T>G (p.Ile115Arg)

Gene: KCNE1 (potassium voltage-gated channel subfamily E regulatory subunit 1; minus strand). Cytogenetic location: 21q22.12.
Variant type: single nucleotide variant.
Coding change: c.344T>G on transcript NM_000219.6 (MANE Select); coding-DNA position 344, T replaced by G.
Protein change: p.Ile115Arg; replaces isoleucine 115 with arginine.
Molecular consequence: missense variant.
Genome position (GRCh38, 1-based): chr21:34,449,291, A>C on the plus strand (T>G on the coding strand, the complement: KCNE1 is on the minus strand). VCF-style: chr21-34449291-A-C. GRCh37 (hg19) VCF-style: chr21-35821589-A-C.
Other names: c.344T>G, p.Ile115Arg (NM_001127668.4, NM_001127669.4, NM_001127670.4 and 4 more transcripts); short protein forms I115R.
Identifiers: ClinVar variation 3373778 (VCV003373778.2).
Genomic context (GRCh38, chr21:34,449,291, plus strand): 5'-GCCAGTGGTGGGGTTCATGGGGAAGGCTTCGTCTCAGGAAGGTGTGTGTTGGGTTGTTCT[A>C]TGGCCAGATGGTTTTCAACGACATAGCACGACCTGTAGCTCTCCAGGACCCGGGCCTGGA-3'
Protein context (NP_000210.2, residues 105-125): SCYVVENHLA[Ile115Arg]EQPNTHLPET

Conditions:
Long QT syndrome 5 (LQT5). Identifiers: Orphanet 101016, Orphanet 768, MedGen C1867904, MONDO:0013372, OMIM 613695.

Submission:

Roden Lab, Vanderbilt University Medical Center
No classification provided (evidence only). Condition: Long QT syndrome 5. Review status: no classification provided. Collection method: in vitro. Allele origin: not applicable. Functional consequence: Effect on ion channel function.
ClinVar note: "not provided" was previously submitted as the classification for the variant. However, the classification appeared to be based only on an observation of functional data so it was converted to no classification on 2025-07-30.